The following is an entry in ClinVar:

NM_006005.3(WFS1):c.1991T>C (p.Leu664Pro)

Gene: WFS1 (wolframin ER transmembrane glycoprotein; plus strand). Cytogenetic location: 4p16.1.
Variant type: single nucleotide variant.
Coding change: c.1991T>C on transcript NM_006005.3 (MANE Select); coding-DNA position 1991, T replaced by C.
Protein change: p.Leu664Pro; replaces leucine 664 with proline.
Molecular consequence: missense variant.
Genome position (GRCh38, 1-based): chr4:6,301,786, T>C. VCF-style: chr4-6301786-T-C. GRCh37 (hg19) VCF-style: chr4-6303513-T-C.
Other names: c.1991T>C, p.Leu664Pro (NM_001145853.1); short protein forms L664P.
Identifiers: ClinVar variation 4888303 (VCV004888303.3).
Genomic context (GRCh38, chr4:6,301,786, plus strand): 5'-TGCTGTTCTGCTGGTTCTATGTGTACCGCTCAGAGGGCATGAAGGTCTACAACTCCACAC[T>C]GACCTGGCAGCAGTATGGTGCGCTGTGCGGGCCACGCGCCTGGAAGGAGACCAACATGGC-3'
Protein context (NP_005996.2, residues 654-674): SEGMKVYNST[Leu664Pro]TWQQYGALCG

ClinVar aggregate classification (germline): Likely pathogenic. Review status: criteria provided, multiple submitters, no conflicts (2 of 4 stars). 2 submissions from 2 submitters: Likely pathogenic (2). Last evaluated 2021-04-30.

Conditions:
Wolfram syndrome 1 (WFS1). Identifiers: Orphanet 3463, MedGen C4551693, MONDO:0009101, OMIM 222300.
WFS1-related disorder. Identifiers: MedGen CN379391, MONDO:0700293.

Submissions (2):

Blueprint Genetics
Classification: Likely pathogenic for WFS1-related disorders. Last evaluated: 2021-04-30. Review status: criteria provided, single submitter. Criteria: ACMG Guidelines, 2015. Collection method: clinical testing. Allele origin: germline. Affected: yes. Observed: 2 variant alleles.

Juno Genomics, Hangzhou Juno Genomics, Inc
Classification: Likely pathogenic for Wolfram syndrome 1. Review status: criteria provided, single submitter. Criteria: ACMG Guidelines, 2015. Collection method: clinical testing. Allele origin: germline.
Comment: Absent from controls (or at extremely low frequency if recessive) in Genome Aggregation Database.;Multiple lines of computational evidence support a deleterious effect on the gene or gene product.;For recessive disorders, detected in trans with a pathogenic variant.;Co-segregation with disease in multiple affected family members.